The following is an entry in ClinVar:

ClinVar aggregate classification (germline): Uncertain significance. Review status: criteria provided, multiple submitters, no conflicts (2 of 4 stars). 4 submissions from 4 submitters: Uncertain significance (4). Last evaluated 2024-03-07.

Conditions:
Arrhythmogenic right ventricular cardiomyopathy (ARVD). Also called: Arrhythmogenic cardiomyopathy; Cardiomyopathy, ARVC; Arrhythmogenic right ventricular dysplasia; Arrhythmogenic Right Ventricular Cardiomyopathy (ARVC). Identifiers: Orphanet 247, MedGen C0349788, MeSH D019571, MONDO:0016587. Disease mechanism: loss of function. Inheritance: Various modes of inheritance.
Arrhythmogenic right ventricular dysplasia 10. Also called: Arrhythmogenic Right Ventricular Dysplasia/Cardiomyopathy10; ARRHYTHMOGENIC RIGHT VENTRICULAR DYSPLASIA, FAMILIAL, 10; Arrhythmogenic right ventricular dysplasia/cardiomyopathy, type 10. Identifiers: MedGen C1857777, MONDO:0012434, OMIM 610193.
Cardiomyopathy (CMYO). Also called: Cardiomyopathies. Identifiers: Orphanet 167848, MedGen C0878544, MONDO:0004994, HP:0001638. Inheritance: Various modes of inheritance.

Allele frequency attached by ClinVar (database versions not stated): TOPMed 0.00001.

Submissions (4):

Color Diagnostics, LLC DBA Color Health
Classification: Uncertain significance for Cardiomyopathy. Last evaluated: 2024-03-07. Review status: criteria provided, single submitter. Criteria: ACMG Guidelines, 2015. Collection method: clinical testing. Allele origin: germline.
Comment: This missense variant replaces valine with leucine at codon 340 of the DSG2 protein. Computational prediction suggests that this variant may not impact protein structure and function (internally defined REVEL score threshold <= 0.5, PMID: 27666373). To our knowledge, functional studies have not been reported for this variant. This variant has not been reported in individuals affected with cardiovascular disorders in the literature. This variant has not been identified in the general population by the Genome Aggregation Database (gnomAD). The available evidence is insufficient to determine the role of this variant in disease conclusively. Therefore, this variant is classified as a Variant of Uncertain Significance.

Labcorp Genetics (formerly Invitae), Labcorp
Classification: Uncertain significance for Arrhythmogenic right ventricular dysplasia 10. Last evaluated: 2023-11-20. Review status: criteria provided, single submitter. Criteria: Invitae Variant Classification Sherloc (09022015). Collection method: clinical testing. Allele origin: germline.
Comment: This sequence change replaces valine, which is neutral and non-polar, with leucine, which is neutral and non-polar, at codon 340 of the DSG2 protein (p.Val340Leu). This variant is not present in population databases (gnomAD no frequency). This variant has not been reported in the literature in individuals affected with DSG2-related conditions. ClinVar contains an entry for this variant (Variation ID: 653818). Advanced modeling of protein sequence and biophysical properties (such as structural, functional, and spatial information, amino acid conservation, physicochemical variation, residue mobility, and thermodynamic stability) performed at Invitae indicates that this missense variant is not expected to disrupt DSG2 protein function with a negative predictive value of 95%. In summary, the available evidence is currently insufficient to determine the role of this variant in disease. Therefore, it has been classified as a Variant of Uncertain Significance.

All of Us Research Program, National Institutes of Health
Classification: Uncertain significance for Arrhythmogenic right ventricular cardiomyopathy. Last evaluated: 2023-04-03. Review status: criteria provided, single submitter. Criteria: ACMG Guidelines, 2015. Collection method: clinical testing. Allele origin: germline. Inheritance: Autosomal dominant inheritance. Observed: 1 variant allele, 1 heterozygote.
Comment: This missense variant replaces valine with leucine at codon 340 of the DSG2 protein. Computational prediction suggests that this variant may not impact protein structure and function (internally defined REVEL score threshold <= 0.5, PMID: 27666373). To our knowledge, functional studies have not been reported for this variant. This variant has not been reported in individuals affected with cardiovascular disorders in the literature. This variant has not been identified in the general population by the Genome Aggregation Database (gnomAD). The available evidence is insufficient to determine the role of this variant in disease conclusively. Therefore, this variant is classified as a Variant of Uncertain Significance.

This study involves interpretation of variants in research participants for the purpose of population health screening. Participant phenotype was not available at the time of variant classification. Additional details can be found in publication PMID: 35346344, PMCID: PMC8962531

GeneDx
Classification: Uncertain significance. Last evaluated: 2020-01-15. Review status: criteria provided, single submitter. Criteria: GeneDx Variant Classification Process June 2021. Collection method: clinical testing. Allele origin: germline. Affected: yes.
Comment: Has not been previously published as pathogenic or benign to our knowledge; Reported in ClinVar as a variant of uncertain significance (ClinVar Variant ID# 653818; Landrum et al., 2016); Not observed in large population cohorts (Lek et al., 2016); In silico analysis, which includes protein predictors and evolutionary conservation, supports that this variant does not alter protein structure/function

NM_001943.5(DSG2):c.1018G>T (p.Val340Leu)

Gene: DSG2 (desmoglein 2; plus strand). Cytogenetic location: 18q12.1.
Variant type: single nucleotide variant.
Coding change: c.1018G>T on transcript NM_001943.5 (MANE Select); coding-DNA position 1018, G replaced by T.
Protein change: p.Val340Leu; replaces valine 340 with leucine.
Molecular consequence: missense variant.
Genome position (GRCh38, 1-based): chr18:31,530,990, G>T. VCF-style: chr18-31530990-G-T. GRCh37 (hg19) VCF-style: chr18-29110953-G-T.
Other names: c.1018G>T (LRG_397t1); short protein forms V340L.
Identifiers: ClinVar variation 653818 (VCV000653818.14), dbSNP rs1369312425, ClinGen allele CA402137862.
Genomic context (GRCh38, chr18:31,530,990, plus strand): 5'-GTATACATGTCTTCTGTTTTCTCTTTGAAAAGAATTCCCTTTGGTTTTCCCTTTCAGGAA[G>T]TAGATTATGAAGAAATGAAGAATCTTGACTTCAGTGTTATTGTCGCTAATAAAGCAGCTT-3'
Protein context (NP_001934.2, residues 330-350): NEGIVTLIKE[Val340Leu]DYEEMKNLDF